The following is an entry in ClinVar:

NM_001170535.3(ATAD3A):c.385-3C>G

Gene: ATAD3A (ATPase family AAA domain containing 3A; plus strand). Cytogenetic location: 1p36.33.
Variant type: single nucleotide variant.
Coding change: c.385-3C>G on transcript NM_001170535.3 (MANE Select); 3 bases into the intron before coding-DNA position 385, C replaced by G.
Molecular consequence: intron variant.
Genome position (GRCh38, 1-based): chr1:1,517,713, C>G. VCF-style: chr1-1517713-C-G. GRCh37 (hg19) VCF-style: chr1-1453093-C-G.
Other names: c.529-3C>G (NM_018188.5); c.148-3C>G (NM_001170536.3).
Identifiers: ClinVar variation 1304069 (VCV001304069.3), dbSNP rs755422828, ClinGen allele CA16780171.

ClinVar aggregate classification (germline): Uncertain significance. Review status: criteria provided, multiple submitters, no conflicts (2 of 4 stars). 2 submissions from 2 submitters: Uncertain significance (2). Last evaluated 2025-06-29.

Conditions:
Pontocerebellar hypoplasia, hypotonia, and respiratory insufficiency syndrome, neonatal lethal. Also called: PHRINL SYNDROME. Identifiers: Orphanet 615954, MedGen C5394137, MONDO:0032931, OMIM 618810.

Allele frequency attached by ClinVar (database versions not stated): TOPMed 0.00001.

Submissions (2):

3billion
Classification: Uncertain significance for Pontocerebellar hypoplasia, hypotonia, and respiratory insufficiency syndrome, neonatal lethal. Last evaluated: 2025-06-29. Review status: criteria provided, single submitter. Criteria: ACMG Guidelines, 2015. Collection method: clinical testing. Allele origin: germline. Affected: yes.
Comment: The variant is observed at an extremely low frequency in the gnomAD v4.1.0 dataset (total allele frequency: <0.001%). Predicted Consequence/Location: Intron variant In silico tools predict the variant to alter splicing and produce an abnormal transcript [SpliceAI: 0.45 (>=0.2, moderate evidence for spliceogenicity)]. In silico tools predict the variant to alter splicing and produce an abnormal transcript [SpliceAI: 0.45 (>=0.2, moderate evidence for spliceogenicity)]. The variant has been reported as of uncertain significance (ClinVar ID: VCV001304069). Therefore, this variant is classified as VUS according to the recommendation of ACMG/AMP guideline.

GeneDx
Classification: Uncertain significance. Last evaluated: 2022-12-29. Review status: criteria provided, single submitter. Criteria: GeneDx Variant Classification Process June 2021. Collection method: clinical testing. Allele origin: germline. Affected: yes.
Comment: Not observed at significant frequency in large population cohorts (gnomAD); In silico analysis supports a deleterious effect on splicing; Has not been previously published as pathogenic or benign to our knowledge